The following is an entry in ClinVar:

ClinVar aggregate classification (germline): Likely benign. Review status: criteria provided, multiple submitters, no conflicts (2 of 4 stars). 2 submissions from 2 submitters: Likely benign (2). Last evaluated 2026-09-01.

gnomAD v4.1: 1 of 1,612,944 alleles (0.000062%); highest among the groups gnomAD compares: Admixed American, 0.0017%; no homozygotes.

Submissions (2):

CeGaT Center for Human Genetics Tuebingen
Classification: Likely benign. Last evaluated: 2026-09-01. Review status: criteria provided, single submitter. Criteria: CeGaT Center For Human Genetics Tuebingen Variant Classification Criteria Version 2. Collection method: clinical testing. Allele origin: germline. Affected: yes. Observed: 1 variant allele.
Comment: CSF1R: BP4, BP7

Blueprint Genetics
Classification: Likely benign. Last evaluated: 2022-09-07. Review status: criteria provided, single submitter. Criteria: ACMG Guidelines, 2015. Collection method: clinical testing. Allele origin: germline.

NM_001288705.3(CSF1R):c.1542C>T (p.Leu514=)

Gene: CSF1R (colony stimulating factor 1 receptor; minus strand). Cytogenetic location: 5q32.
Variant type: single nucleotide variant.
Coding change: c.1542C>T on transcript NM_001288705.3 (MANE Select); coding-DNA position 1542, C replaced by T.
Protein change: p.Leu514=; no amino-acid change (leucine 514 retained).
Molecular consequence: synonymous variant. On other transcripts: non-coding transcript variant (2).
Genome position (GRCh38, 1-based): chr5:150,068,299, G>A on the plus strand (C>T on the coding strand, the complement: CSF1R is on the minus strand). VCF-style: chr5-150068299-G-A. GRCh37 (hg19) VCF-style: chr5-149447862-G-A.
Other names: c.1542C>T, p.Leu514= (NM_001349736.2, NM_001375320.1, NM_005211.4); c.1098C>T, p.Leu366= (NM_001375321.1).
Identifiers: ClinVar variation 4972552 (VCV004972552.2).